The following is an entry in ClinVar:

ClinVar aggregate classification (germline): Conflicting classifications of pathogenicity. Review status: criteria provided, conflicting classifications (1 of 4 stars). 4 submissions from 4 submitters: Uncertain significance (1); Likely benign (2). 1 of the submissions does not count toward it. Last evaluated 2026-01-22.

Conditions:
LRRC56-related disorder. Also called: LRRC56-related condition.

Allele frequency attached by ClinVar (database versions not stated): 1000 Genomes Project 30x 0.00062; 1000 Genomes Project 0.00080; ESP Exome Variant Server 0.00131.

Submissions (5):

GeneDx
Classification: Uncertain significance. Last evaluated: 2026-01-22. Review status: criteria provided, single submitter. Criteria: GeneDx Variant Classification Process June 2021. Collection method: clinical testing. Allele origin: germline.
Comment: In silico analysis suggests that this missense variant does not alter protein structure/function; Has not been previously published as pathogenic or benign to our knowledge

Labcorp Genetics (formerly Invitae), Labcorp
Classification: Likely benign. Last evaluated: 2025-12-10. Review status: criteria provided, single submitter. Criteria: Invitae Variant Classification Sherloc (09022015). Collection method: clinical testing. Allele origin: germline.

Blueprint Genetics
Classification: Likely benign. Last evaluated: 2024-11-25. Review status: criteria provided, single submitter. Criteria: ACMG Guidelines, 2015. Collection method: clinical testing. Allele origin: germline.

PreventionGenetics, part of Exact Sciences
Classification: Likely benign for LRRC56-related condition. Last evaluated: 2022-03-16. Review status: no assertion criteria provided. Collection method: clinical testing. Allele origin: germline. Not counted in ClinVar's aggregate classification.
Comment: This variant is classified as likely benign based on ACMG/AMP sequence variant interpretation guidelines (Richards et al. 2015 PMID: 25741868, with internal and published modifications).

Dr. Peter K. Rogan Lab, Western University
No classification provided (evidence only). Condition: Thyroid cancer, nonmedullary, 1. Review status: no classification provided. Collection method: in vitro. Allele origin: not applicable. Functional consequence: retained intron. Not counted in ClinVar's aggregate classification.

NM_198075.4(LRRC56):c.1324G>A (p.Gly442Arg)

Gene: LRRC56 (leucine rich repeat containing 56; plus strand). Cytogenetic location: 11p15.5.
Variant type: single nucleotide variant.
Coding change: c.1324G>A on transcript NM_198075.4 (MANE Select); coding-DNA position 1324, G replaced by A.
Protein change: p.Gly442Arg; replaces glycine 442 with arginine.
Molecular consequence: missense variant.
Genome position (GRCh38, 1-based): chr11:553,971, G>A. VCF-style: chr11-553971-G-A. GRCh37 (hg19) VCF-style: chr11-553971-G-A.
Other names: c.1324G>A (NM_198075.3); short protein forms G442R.
Identifiers: ClinVar variation 1658038 (VCV001658038.13), dbSNP rs138005053, ClinGen allele CA5780077.